The following is an entry in ClinVar:

NM_001378969.1(KCND3):c.1543A>C (p.Met515Leu)

Gene: KCND3 (potassium voltage-gated channel subfamily D member 3; minus strand). Cytogenetic location: 1p13.2.
Variant type: single nucleotide variant.
Coding change: c.1543A>C on transcript NM_001378969.1 (MANE Select); coding-DNA position 1543, A replaced by C.
Protein change: p.Met515Leu; replaces methionine 515 with leucine.
Molecular consequence: missense variant.
Genome position (GRCh38, 1-based): chr1:111,777,249, T>G on the plus strand (A>C on the coding strand, the complement: KCND3 is on the minus strand). VCF-style: chr1-111777249-T-G. GRCh37 (hg19) VCF-style: chr1-112319871-T-G.
Other names: c.1486A>C, p.Met496Leu (NM_001378970.1, NM_172198.3); c.1543A>C, p.Met515Leu (NM_004980.5); short protein forms M515L, M496L.
Identifiers: ClinVar variation 519397 (VCV000519397.5), dbSNP rs369907159, ClinGen allele CA341657369.

ClinVar aggregate classification (germline): Uncertain significance (1 of 4 stars; one submission).

Conditions:
Cardiovascular phenotype. Identifiers: MedGen CN230736.

Submission:

Ambry Genetics
Classification: Uncertain significance for Cardiovascular phenotype. Last evaluated: 2017-02-08. Review status: criteria provided, single submitter. Criteria: Ambry Variant Classification Scheme 2023. Collection method: clinical testing. Allele origin: germline.
Comment: The p.M515L variant (also known as c.1543A>C), located in coding exon 6 of the KCND3 gene, results from an A to C substitution at nucleotide position 1543. The methionine at codon 515 is replaced by leucine, an amino acid with highly similar properties. This amino acid position is not well conserved in available vertebrate species, and leucine is the reference amino acid in other vertebrate species. In addition, this alteration is predicted to be tolerated by in silico analysis. Since supporting evidence is limited at this time, the clinical significance of this alteration remains unclear.